The following is an entry in ClinVar:

ClinVar aggregate classification (germline): Likely pathogenic (1 of 4 stars; one submission).

Submission:

GeneDx
Classification: Likely pathogenic. Last evaluated: 2023-12-03. Review status: criteria provided, single submitter. Criteria: GeneDx Variant Classification Process June 2021. Collection method: clinical testing. Allele origin: germline. Affected: yes.
Comment: Nonsense variant predicted to result in protein truncation or nonsense mediated decay in a gene for which loss of function is a known mechanism of disease; Not observed at significant frequency in large population cohorts (gnomAD); Has not been previously published as pathogenic or benign to our knowledge

NM_001012426.2(FOXP4):c.10G>T (p.Glu4Ter)

Gene: FOXP4 (forkhead box P4; plus strand). Cytogenetic location: 6p21.1.
Variant type: single nucleotide variant.
Coding change: c.10G>T on transcript NM_001012426.2 (MANE Select); coding-DNA position 10, G replaced by T.
Protein change: p.Glu4Ter; replaces glutamic acid 4 with a stop codon.
Molecular consequence: nonsense.
Genome position (GRCh38, 1-based): chr6:41,565,770, G>T. VCF-style: chr6-41565770-G-T. GRCh37 (hg19) VCF-style: chr6-41533508-G-T.
Other names: c.10G>T, p.Glu4Ter (NM_001012427.2, NM_138457.3); short protein forms E4*.
Identifiers: ClinVar variation 1329592 (VCV001329592.4), dbSNP rs2127349265, ClinGen allele CA364355191.